The following is an entry in ClinVar:

ClinVar aggregate classification (germline): Pathogenic (1 of 4 stars; one submission).

Conditions:
Hereditary cancer-predisposing syndrome. Also called: Neoplastic Syndromes, Hereditary; Tumor predisposition; Hereditary neoplastic syndrome; Hereditary Cancer Syndrome. Identifiers: Orphanet 140162, MedGen C0027672, MeSH D009386, MONDO:0015356.
Cardiovascular phenotype. Identifiers: MedGen CN230736.

Submission:

Ambry Genetics
Classification: Pathogenic for Cardiovascular phenotype; Hereditary cancer-predisposing syndrome. Last evaluated: 2022-12-13. Review status: criteria provided, single submitter. Criteria: Ambry Variant Classification Scheme 2023. Collection method: clinical testing. Allele origin: germline.
Comment: The c.2494delG pathogenic mutation, located in coding exon 21 of the NF1 gene, results from a deletion of one nucleotide at nucleotide position 2494, causing a translational frameshift with a predicted alternate stop codon (p.D832Tfs*9). This variant is considered to be rare based on population cohorts in the Genome Aggregation Database (gnomAD). This alteration is expected to result in loss of function by premature protein truncation or nonsense-mediated mRNA decay. As such, this alteration is interpreted as a disease-causing mutation.

NM_001042492.3(NF1):c.2494del (p.Asp832fs)

Gene: NF1 (neurofibromin 1; plus strand). Cytogenetic location: 17q11.2.
Variant type: Deletion.
Coding change: c.2494del on transcript NM_001042492.3 (MANE Select); coding-DNA position 2494, one base deleted (G; older notation c.2494delG).
Protein change: p.Asp832fs; shifts the reading frame from aspartic acid 832.
Molecular consequence: frameshift variant.
Genome position (GRCh38, 1-based): chr17:31,229,109, G deleted. VCF-style (leftmost placement, unchanged base first): chr17-31229108-AG-A. GRCh37 (hg19) VCF-style: chr17-29556126-AG-A.
Other names: c.2494delG (NM_000267.3); c.2494delG, p.Asp832Thrfs (NM_000267.4); short protein forms D832fs.
Identifiers: ClinVar variation 2452231 (VCV002452231.2), dbSNP rs2508182782, ClinGen allele CA2580093268.